The following is an entry in ClinVar:

NM_015937.6(PIGT):c.1079G>T (p.Gly360Val)

Gene: PIGT (phosphatidylinositol glycan anchor biosynthesis class T; plus strand). Cytogenetic location: 20q13.12.
Variant type: single nucleotide variant.
Coding change: c.1079G>T on transcript NM_015937.6 (MANE Select); coding-DNA position 1079, G replaced by T.
Protein change: p.Gly360Val; replaces glycine 360 with valine.
Molecular consequence: missense variant. On other transcripts: non-coding transcript variant (5), intron variant (1).
Genome position (GRCh38, 1-based): chr20:45,421,428, G>T. VCF-style: chr20-45421428-G-T. GRCh37 (hg19) VCF-style: chr20-44050068-G-T.
Other names: c.911G>T, p.Gly304Val (NM_001184728.3); c.773G>T, p.Gly258Val (NM_001184730.3); c.1033+735G>T (NM_001184729.3); short protein forms G360V, G304V, G258V.
Identifiers: ClinVar variation 451026 (VCV000451026.16), dbSNP rs1277383877, ClinGen allele CA409169127.
Genomic context (GRCh38, chr20:45,421,428, plus strand): 5'-TATTTCTTTACACAGAGGCCCCCCCAGTGCCCTTCCTGCATGCCCAGCGGTACGTGAGTG[G>T]CTATGGGCTGCAGAAGGGGGAGCTGAGCACACTGCTGTACAACACCCACCCATACCGGGC-3'
Protein context (NP_057021.2, residues 350-370): PFLHAQRYVS[Gly360Val]YGLQKGELST

ClinVar aggregate classification (germline): Pathogenic/Likely pathogenic. Review status: criteria provided, multiple submitters, no conflicts (2 of 4 stars). 9 submissions from 9 submitters: Pathogenic (6); Likely pathogenic (1). 2 of the submissions do not count toward it. Last evaluated 2025-03-26.

Conditions:
PIGT-related disorder.
Inborn genetic diseases. Identifiers: MedGen C0950123, MeSH D030342.
Multiple congenital anomalies-hypotonia-seizures syndrome 3 (MCAHS3). Also called: GLYCOSYLPHOSPHATIDYLINOSITOL BIOSYNTHESIS DEFECT 7. Identifiers: Orphanet 369837, MedGen C3809356, MONDO:0014165, OMIM 615398.
Global developmental delay (DD). Also called: Cognitive delay. Identifiers: MedGen C0557874, HP:0001263. Disease mechanism: loss of function.
Seizure. Also called: Seizures. Identifiers: MedGen C0036572, HP:0001250.
Neurodevelopmental delay. Identifiers: MedGen C4022738, HP:0012758.

Allele frequency attached by ClinVar (database versions not stated): TOPMed below 0.00001; gnomAD 0.00001.
gnomAD v4.1: 1 of 1,614,070 alleles (0.000062%); highest among the groups gnomAD compares: Non-Finnish European, 0.000085%; no homozygotes.

Submissions (9):

Variantyx, Inc.
Classification: Likely pathogenic for Multiple congenital anomalies-hypotonia-seizures syndrome 3. Last evaluated: 2025-03-26. Review status: criteria provided, single submitter. Criteria: Variantyx Assertion Criteria 2022. Collection method: clinical testing. Allele origin: germline. Inheritance: Autosomal recessive inheritance. Affected: yes.
Comment: This is a nonsynonymous variant in the PIGT gene (OMIM: 610272). Pathogenic variants in this gene have been associated with autosomal recessive multiple congenital anomalies hypotonia seizures syndrome 3. Multiple computational algorithms predict a deleterious effect for this variant (REVEL score: 0.779) (PP3_Moderate). This variant has a 0.0015% maximum allele frequency in non-founder control populations (PM2_Supporting). Computational algorithms produce conflicting evidence regarding the predicted functional impact of this variant (REVEL score: 0.779). Based on the current evidence, this variant is classified as likely pathogenic for autosomal recessive multiple congenital anomalies hypotonia seizures syndrome 3.

GeneDx
Classification: Pathogenic. Last evaluated: 2024-05-06. Review status: criteria provided, single submitter. Criteria: GeneDx Variant Classification Process June 2021. Collection method: clinical testing. Allele origin: germline. Affected: yes.
Comment: Not observed at significant frequency in large population cohorts (gnomAD); In silico analysis supports that this missense variant has a deleterious effect on protein structure/function; This variant is associated with the following publications: (PMID: 27916860, 33726816, 30976099, 32581362, 37541188, 38456468)

Blueprint Genetics
Classification: Pathogenic for PIGT-related disorders. Last evaluated: 2024-01-23. Review status: criteria provided, single submitter. Criteria: ACMG Guidelines, 2015. Collection method: clinical testing. Allele origin: germline. Affected: yes. Observed: 3 variant alleles.

Victorian Clinical Genetics Services, Murdoch Childrens Research Institute
Classification: Pathogenic for Multiple congenital anomalies-hypotonia-seizures syndrome 3. Last evaluated: 2023-07-17. Review status: criteria provided, single submitter. Criteria: ACMG Guidelines, 2015. Collection method: clinical testing. Allele origin: germline. Inheritance: Autosomal recessive inheritance. Affected: no.
Comment: Based on the classification scheme VCGS_Germline_v1.3.4, this variant is classified as pathogenic. The following criteria are met: 0102 - Loss of function is a known mechanism of disease in this gene and is associated with multiple congenital anomalies-hypotonia-seizures syndrome 3 (MIM#615398). (I) 0106 - This gene is associated with autosomal recessive disease. (I) 0200 - Variant is predicted to result in a missense amino acid change from glycine to valine. (I) 0251 - This variant is heterozygous. (I) 0304 - Variant is present in gnomAD (v3) <0.01 for a recessive condition (1 heterozygote, 0 homozygotes). (SP) 0309 - An alternative amino acid change at the same position has been observed in gnomAD (v3) (1 heterozygote, 0 homozygotes). (I) 0501 - Missense variant consistently predicted to be damaging by multiple in silico tools or highly conserved with a major amino acid change. (SP) 0604 - Variant is not located in an established domain, motif, hotspot or informative constraint region. (I) 0801 - This variant has strong previous evidence of pathogenicity in unrelated individuals and the variant has been shown to segregate with disease (ClinVar, DECIPHER, PMID: 27916860, 30976099). (SP) 1001 - This variant has strong functional evidence supporting abnormal protein function. Functional studies using patients' fibroblast cells showed reduced levels of GPI-anchors and GPI-anchored proteins on the cell surface (PMID: 27916860). (SP) 0705 - No comparable missense variants have previous evidence for pathogenicity. (I) Legend: (SP) - Supporting pathogenic, (I) - Information, (SB) - Supporting benign

MGZ Medical Genetics Center
Classification: Pathogenic for Multiple congenital anomalies-hypotonia-seizures syndrome 3. Last evaluated: 2022-05-04. Review status: criteria provided, single submitter. Criteria: ACMG Guidelines, 2015. Collection method: clinical testing. Allele origin: germline. Affected: yes. Observed: 1 variant allele.
Comment: ACMG criteria applied: PS3, PS4, PM2_SUP, PP3

Ambry Genetics
Classification: Pathogenic for Inborn genetic diseases. Last evaluated: 2020-04-29. Review status: criteria provided, single submitter. Criteria: Ambry Variant Classification Scheme 2023. Collection method: clinical testing. Allele origin: germline.
Comment: The alteration results in an amino acid change:_x000D_ _x000D_ The c.1079G>T (p.G360V) alteration is located in coding exon 9 of the PIGT gene. This alteration results from a G to T substitution at nucleotide position 1079, causing the glycine (G) at amino acid position 360 to be replaced by a valine (V). The alteration is not observed in population databases:_x000D_ _x000D_ Based on data from the Genome Aggregation Database (gnomAD), the PIGT c.1079G>T alteration was not observed, with coverage at this position. The alteration has been observed in affected individuals: _x000D_ _x000D_ This alteration was reported in the homozygous state in two brothers, born to consanguineous parents of Somali descent, with global developmental delay/intellectual disability, hypotonia, seizures, cortical visual impairment, and dysmorphic facial features. Pyramidal tract signs were also reported, which were not previously reported in association with PIGT-related congenital disorder of glycosylation. An additional four affected siblings from two consanguineous families of Somali descent were reported to be homozygous for this alteration (Bayat, 2019). The altered amino acid is conserved throughout evolution:_x000D_ _x000D_ The p.G360 amino acid is conserved in available vertebrate species. Functional analysis reveals a damaging effect of the amino acid alteration: _x000D_ _x000D_ A flow cytometry study showed reduction in the level of glycosylphosphatidylinositol (GPI) anchored proteins on the plasma membrane in peripheral leukocytes homozygous for the p.G360V as compared to controls, with a less pronounced deficit in skin fibroblasts (Skauli, 2016). The alteration is predicted inconclusive by in silico modeling:_x000D_ _x000D_ The in silico prediction for the p.G360V alteration is inconclusive. Based on the available evidence, this alteration is classified as pathogenic.

Centre de Biologie Pathologie Génétique, Centre Hospitalier Universitaire de Lille
Classification: Pathogenic for Neurodevelopmental delay. Review status: criteria provided, single submitter. Criteria: ACMG Guidelines, 2015. Collection method: clinical testing. Allele origin: biparental. Affected: yes.

OMIM
Classification: Pathogenic for MULTIPLE CONGENITAL ANOMALIES-HYPOTONIA-SEIZURES SYNDROME 3. Last evaluated: 2018-10-16. Review status: no assertion criteria provided. Collection method: literature only. Allele origin: germline. Not counted in ClinVar's aggregate classification.

NIHR Bioresource Rare Diseases, University of Cambridge
Classification: Likely pathogenic for Global developmental delay; Seizure. Review status: no assertion criteria provided. Collection method: research. Allele origin: unknown. Affected: yes. Observed: 1 variant allele. Not counted in ClinVar's aggregate classification.

Literature cited by the submitters: PubMed 27916860 (cited by 4 submitters); PubMed 30976099 (cited by 3 submitters); PubMed 32581362 (cited by NIHR Bioresource Rare Diseases, University of Cambridge).